The following is an entry in ClinVar:

NM_001004320.2(AGMO):c.790C>T (p.Pro264Ser)

Gene: AGMO (alkylglycerol monooxygenase; minus strand). Cytogenetic location: 7p21.2.
Variant type: single nucleotide variant.
Coding change: c.790C>T on transcript NM_001004320.2 (MANE Select); coding-DNA position 790, C replaced by T.
Protein change: p.Pro264Ser; replaces proline 264 with serine.
Molecular consequence: missense variant.
Genome position (GRCh38, 1-based): chr7:15,390,703, G>A on the plus strand (C>T on the coding strand, the complement: AGMO is on the minus strand). VCF-style: chr7-15390703-G-A. GRCh37 (hg19) VCF-style: chr7-15430328-G-A.
Other names: short protein forms P264S.
Identifiers: ClinVar variation 2637247 (VCV002637247.1), dbSNP rs144104404, ClinGen allele CA366877240.

ClinVar aggregate classification (germline): Uncertain significance (1 of 4 stars; one submission).

Conditions:
AGMO-related disorder. Also called: AGMO-related condition.

gnomAD v4.1: 32 of 1,609,696 alleles (0.002%); highest among the groups gnomAD compares: Non-Finnish European, 0.0026%; no homozygotes.

Submission:

PreventionGenetics, part of Exact Sciences
Classification: Uncertain significance for AGMO-related condition. Last evaluated: 2022-10-06. Review status: criteria provided, single submitter. Criteria: ACMG Guidelines, 2015. Collection method: clinical testing. Allele origin: germline.
Comment: The AGMO c.790C>T variant is predicted to result in the amino acid substitution p.Pro264Ser. To our knowledge, this variant has not been reported in the literature. This variant is reported in a single heterozygous individual of unknown phenotype in the "Other" population in gnomAD. At this time, the clinical significance of this variant is uncertain due to the absence of conclusive functional and genetic evidence.